The following is an entry in ClinVar:

ClinVar aggregate classification (germline): Uncertain significance (1 of 4 stars; one submission).

Submission:

Labcorp Genetics (formerly Invitae), Labcorp
Classification: Uncertain significance. Last evaluated: 2019-10-03. Review status: criteria provided, single submitter. Criteria: Invitae Variant Classification Sherloc (09022015). Collection method: clinical testing. Allele origin: germline.
Comment: This sequence change falls in intron 18 of the ADGRA3 gene. It does not directly change the encoded amino acid sequence of the ADGRA3 protein. This variant is not present in population databases (ExAC no frequency). This variant has not been reported in the literature in individuals with ADGRA3-related conditions. Algorithms developed to predict the effect of sequence changes on RNA splicing suggest that this variant may disrupt the consensus splice site, but this prediction has not been confirmed by published transcriptional studies. In summary, the available evidence is currently insufficient to determine the role of this variant in disease. Therefore, it has been classified as a Variant of Uncertain Significance.

NM_145290.4(ADGRA3):c.2724-8_2724-4del

Gene: ADGRA3 (adhesion G protein-coupled receptor A3; minus strand). Cytogenetic location: 4p15.2.
Variant type: Microsatellite.
Coding change: c.2724-8_2724-4del on transcript NM_145290.4 (MANE Select); 8 bases into the intron before coding-DNA position 2724 through 4 bases into the intron before coding-DNA position 2724, 5 bases deleted (TTTTC; older notation c.2724-8_2724-4delTTTTC).
Molecular consequence: intron variant.
Genome position (GRCh38, 1-based): chr4:22,388,951-22,388,955, GAAAA deleted on the plus strand (TTTTC on the coding strand, the reverse complement: ADGRA3 is on the minus strand); deleting any 5 consecutive bases within chr4:22,388,951-22,388,960 gives the same sequence; the c. name uses the placement nearest the transcript's 3' end. VCF-style (leftmost placement, unchanged base first): chr4-22388950-GGAAAA-G. GRCh37 (hg19) VCF-style: chr4-22390573-GGAAAA-G.
Identifiers: ClinVar variation 961216 (VCV000961216.9), dbSNP rs1713984173, ClinGen allele CA1139658447.